The following is an entry in ClinVar:

ClinVar aggregate classification (germline): Conflicting classifications of pathogenicity. Review status: criteria provided, conflicting classifications (1 of 4 stars). 2 submissions from 2 submitters: Uncertain significance (1); Likely benign (1). Last evaluated 2025-09-01.

Conditions:
Inborn genetic diseases. Identifiers: MedGen C0950123, MeSH D030342.
Charcot-Marie-Tooth disease axonal type 2Z. Also called: CHARCOT-MARIE-TOOTH DISEASE, AXONAL, AUTOSOMAL DOMINANT, TYPE 2Z; CHARCOT-MARIE-TOOTH NEUROPATHY, TYPE 2Z. Identifiers: Orphanet 466768, MedGen C5569025, MONDO:0014736, OMIM 616688.

Allele frequency attached by ClinVar (database versions not stated): ExAC 0.00001; gnomAD 0.00001 and 0.00003; gnomAD exomes 0.00002 and 0.00003; TOPMed 0.00003.
gnomAD v4.1: 31 of 1,614,064 alleles (0.0019%); highest among the groups gnomAD compares: Admixed American, 0.015%; no homozygotes.

Submissions (2):

Labcorp Genetics (formerly Invitae), Labcorp
Classification: Uncertain significance for Charcot-Marie-Tooth disease axonal type 2Z. Last evaluated: 2025-09-01. Review status: criteria provided, single submitter. Criteria: Invitae Variant Classification Sherloc (09022015). Collection method: clinical testing. Allele origin: germline.
Comment: This sequence change replaces glutamic acid, which is acidic and polar, with glycine, which is neutral and non-polar, at codon 757 of the MORC2 protein (p.Glu757Gly). This variant is present in population databases (rs774444542, gnomAD 0.01%). This missense change has been observed in individual(s) with Charcot-Marie-Tooth disease, but did not segregate with disease in that family (PMID: 26659848). This variant is also known as p.Glu757Gly. ClinVar contains an entry for this variant (Variation ID: 1007030). Invitae Evidence Modeling of protein sequence and biophysical properties (such as structural, functional, and spatial information, amino acid conservation, physicochemical variation, residue mobility, and thermodynamic stability) has been performed for this missense variant. However, the output from this modeling did not meet the statistical confidence thresholds required to predict the impact of this variant on MORC2 protein function. In summary, the available evidence is currently insufficient to determine the role of this variant in disease. Therefore, it has been classified as a Variant of Uncertain Significance.

Ambry Genetics
Classification: Likely benign for Inborn genetic diseases. Last evaluated: 2020-06-18. Review status: criteria provided, single submitter. Criteria: Ambry Variant Classification Scheme 2023. Collection method: clinical testing. Allele origin: germline.

Literature cited by the submitters: PubMed 26659848 (cited by Labcorp Genetics (formerly Invitae), Labcorp).

NM_001303256.3(MORC2):c.2270A>G (p.Glu757Gly)

Gene: MORC2 (MORC family CW-type zinc finger 2; minus strand). Cytogenetic location: 22q12.2.
Variant type: single nucleotide variant.
Coding change: c.2270A>G on transcript NM_001303256.3 (MANE Select); coding-DNA position 2270, A replaced by G.
Protein change: p.Glu757Gly; replaces glutamic acid 757 with glycine.
Molecular consequence: missense variant.
Genome position (GRCh38, 1-based): chr22:30,934,115, T>C on the plus strand (A>G on the coding strand, the complement: MORC2 is on the minus strand). VCF-style: chr22-30934115-T-C. GRCh37 (hg19) VCF-style: chr22-31330102-T-C.
Other names: c.2270A>G, p.Glu757Gly (NM_001303257.2); c.2084A>G, p.Glu695Gly (NM_014941.3); short protein forms E695G, E757G.
Identifiers: ClinVar variation 1007030 (VCV001007030.9), dbSNP rs774444542, ClinGen allele CA10186725.